The following is an entry in ClinVar:

ClinVar aggregate classification (germline): Benign. Review status: criteria provided, multiple submitters, no conflicts (2 of 4 stars). 2 submissions from 2 submitters: Benign (2). Last evaluated 2024-11-27.

Submissions (2):

Blueprint Genetics
Classification: Benign. Last evaluated: 2024-11-27. Review status: criteria provided, single submitter. Criteria: ACMG Guidelines, 2015. Collection method: clinical testing. Allele origin: germline.

GeneDx
Classification: Benign. Last evaluated: 2018-06-19. Review status: criteria provided, single submitter. Criteria: GeneDx Variant Classification (06012015). Collection method: clinical testing. Allele origin: germline. Affected: yes.
Comment: This variant is considered likely benign or benign based on one or more of the following criteria: it is a conservative change, it occurs at a poorly conserved position in the protein, it is predicted to be benign by multiple in silico algorithms, and/or has population frequency not consistent with disease.

NM_001365088.1(SLC12A6):c.544-21dup

Gene: SLC12A6 (solute carrier family 12 member 6; minus strand). Cytogenetic location: 15q14.
Variant type: Duplication.
Coding change: c.544-21dup on transcript NM_001365088.1 (MANE Select); 21 bases into the intron before coding-DNA position 544, one base duplicated (T; older notation c.544-21dupT).
Molecular consequence: intron variant.
Genome position (GRCh38, 1-based): chr15:34,257,809, A duplicated on the plus strand (T on the coding strand, the reverse complement: SLC12A6 is on the minus strand); the first of 6 consecutive A bases (chr15:34,257,809-34,257,814); duplicating any one gives the same sequence. VCF-style (leftmost placement, unchanged base first): chr15-34257808-T-TA. GRCh37 (hg19) VCF-style: chr15-34550009-T-TA.
Other names: c.367-21dup (NM_001042495.2, NM_001042494.2); c.517-21dup (NM_001042496.2); c.499-21dup (NM_001042497.2); c.544-21dup (NM_133647.2); c.391-21dup (NM_005135.2); c.544-21_544-20insT (NM_133647.1).
Identifiers: ClinVar variation 670564 (VCV000670564.2), dbSNP rs56033911, ClinGen allele CA7464538.